The following is an entry in ClinVar:

ClinVar aggregate classification (germline): Uncertain significance (1 of 4 stars; one submission).

Allele frequency attached by ClinVar (database versions not stated): TOPMed below 0.00001; gnomAD exomes 0.00003.
gnomAD v4.1: 37 of 1,601,442 alleles (0.0023%); highest among the groups gnomAD compares: East Asian, 0.0068%; no homozygotes.

Submission:

Labcorp Genetics (formerly Invitae), Labcorp
Classification: Uncertain significance. Last evaluated: 2024-05-15. Review status: criteria provided, single submitter. Criteria: Invitae Variant Classification Sherloc (09022015). Collection method: clinical testing. Allele origin: germline.
Comment: This sequence change replaces arginine, which is basic and polar, with histidine, which is basic and polar, at codon 4272 of the PCLO protein (p.Arg4272His). This variant is not present in population databases (gnomAD no frequency). This variant has not been reported in the literature in individuals affected with PCLO-related conditions. ClinVar contains an entry for this variant (Variation ID: 1441968). Experimental studies and prediction algorithms are not available or were not evaluated, and the functional significance of this variant is currently unknown. In summary, the available evidence is currently insufficient to determine the role of this variant in disease. Therefore, it has been classified as a Variant of Uncertain Significance.

NM_033026.6(PCLO):c.12815G>A (p.Arg4272His)

Gene: PCLO (piccolo presynaptic cytomatrix protein; minus strand). Cytogenetic location: 7q21.11.
Variant type: single nucleotide variant.
Coding change: c.12815G>A on transcript NM_033026.6 (MANE Select); coding-DNA position 12815, G replaced by A.
Protein change: p.Arg4272His; replaces arginine 4272 with histidine.
Molecular consequence: missense variant.
Genome position (GRCh38, 1-based): chr7:82,915,171, C>T on the plus strand (G>A on the coding strand, the complement: PCLO is on the minus strand). VCF-style: chr7-82915171-C-T. GRCh37 (hg19) VCF-style: chr7-82544487-C-T.
Other names: c.12815G>A, p.Arg4272His (NM_014510.3); short protein forms R4272H.
Identifiers: ClinVar variation 1441968 (VCV001441968.5), dbSNP rs1205114629, ClinGen allele CA367885884.